The following is an entry in ClinVar:

NM_144643.4(SCLT1):c.1725T>C (p.Val575=)

Gene: SCLT1 (sodium channel and clathrin linker 1; minus strand). Cytogenetic location: 4q28.2.
Variant type: single nucleotide variant.
Coding change: c.1725T>C on transcript NM_144643.4 (MANE Select); coding-DNA position 1725, T replaced by C.
Protein change: p.Val575=; no amino-acid change (valine 575 retained).
Molecular consequence: synonymous variant. On other transcripts: 3 prime UTR variant (1).
Genome position (GRCh38, 1-based): chr4:128,936,759, A>G on the plus strand (T>C on the coding strand, the complement: SCLT1 is on the minus strand). VCF-style: chr4-128936759-A-G. GRCh37 (hg19) VCF-style: chr4-129857914-A-G.
Other names: c.*62T>C (NM_001410807.1); c.1725T>C (NM_144643.3).
Identifiers: ClinVar variation 4808136 (VCV004808136.3).

ClinVar aggregate classification (germline): Likely benign. Review status: criteria provided, multiple submitters, no conflicts (2 of 4 stars). 3 submissions from 3 submitters: Likely benign (3). Last evaluated 2026-01-12.

Conditions:
SCLT1-related disorder. Also called: SCLT1-related condition.

gnomAD v4.1: 7 of 1,611,442 alleles (0.00043%); highest among the groups gnomAD compares: Non-Finnish European, 0.00059%; no homozygotes.

Submissions (3):

Labcorp Genetics (formerly Invitae), Labcorp
Classification: Likely benign. Last evaluated: 2026-01-12. Review status: criteria provided, single submitter. Criteria: Invitae Variant Classification Sherloc (09022015). Collection method: clinical testing. Allele origin: germline.

PreventionGenetics, part of Exact Sciences
Classification: Likely benign for SCLT1-related condition. Last evaluated: 2024-11-18. Review status: criteria provided, single submitter. Criteria: ACMG Guidelines, 2015. Collection method: clinical testing. Allele origin: germline.
Comment: This variant is classified as likely benign based on ACMG/AMP sequence variant interpretation guidelines (Richards et al. 2015 PMID: 25741868, with internal and published modifications).

Blueprint Genetics
Classification: Likely benign. Last evaluated: 2021-10-19. Review status: criteria provided, single submitter. Criteria: ACMG Guidelines, 2015. Collection method: clinical testing. Allele origin: germline.